The following is an entry in ClinVar:

ClinVar aggregate classification (germline): Likely benign (1 of 4 stars; one submission).

Conditions:
Neurodevelopmental disorder with movement abnormalities, abnormal gait, and autistic features. Identifiers: MedGen C4693405, MONDO:0060642, OMIM 617865.

gnomAD v4.1: 4 of 1,552,250 alleles (0.00026%); highest among the groups gnomAD compares: South Asian, 0.0024%; no homozygotes.

Submission:

Centre for Medical Genetics,  Mumbai
Classification: Likely benign for Neurodevelopmental disorder with movement abnormalities, abnormal gait, and autistic features. Last evaluated: 2026-02-06. Review status: criteria provided, single submitter. Criteria: ACMG Guidelines, 2015. Collection method: provider interpretation. Allele origin: germline. Inheritance: Autosomal dominant inheritance. Affected: no. Observed: 1 heterozygote.
Comment: The variant satisfies PM2 criteria; Extremely low frequency in gnomAD population databases. The variant satisfies PP2 criteria; Missense variant in a gene with low rate of benign missense mutations and for which missense mutation is a common mechanism of a disease. The variant satisfies BP4 criteria; For a missense or a splice region variant, computational prediction tools unanimously support a benign effect on the gene. However, the variant satisfies BS2 criteria.

Literature cited by the submitters: PubMed 29198722.

NM_020928.2(ZSWIM6):c.2456A>G (p.Asn819Ser)

Gene: ZSWIM6 (zinc finger SWIM-type containing 6; plus strand). Cytogenetic location: 5q12.1.
Variant type: single nucleotide variant.
Coding change: c.2456A>G on transcript NM_020928.2 (MANE Select); coding-DNA position 2456, A replaced by G.
Protein change: p.Asn819Ser; replaces asparagine 819 with serine.
Molecular consequence: missense variant.
Genome position (GRCh38, 1-based): chr5:61,538,888, A>G. VCF-style: chr5-61538888-A-G. GRCh37 (hg19) VCF-style: chr5-60834715-A-G.
Other names: short protein forms N819S.
Identifiers: ClinVar variation 4759213 (VCV004759213.1).